The following is an entry in ClinVar:

NM_000051.4(ATM):c.7282A>T (p.Arg2428Trp)

Genes: C11orf65 (chromosome 11 open reading frame 65; minus strand), ATM (ATM serine/threonine kinase; plus strand). Cytogenetic location: 11q22.3.
Variant type: single nucleotide variant.
Coding change: c.7282A>T on transcript NM_000051.4 (MANE Select); coding-DNA position 7282, A replaced by T.
Protein change: p.Arg2428Trp; replaces arginine 2428 with tryptophan.
Molecular consequence: missense variant. On other transcripts: intron variant (2).
Genome position (GRCh38, 1-based): chr11:108,329,213, A>T. VCF-style: chr11-108329213-A-T. GRCh37 (hg19) VCF-style: chr11-108199940-A-T.
Other names: c.7282A>T, p.Arg2428Trp (NM_001351834.2); c.641-20142T>A (NM_001330368.2); c.*38+6007T>A (NM_001351110.2); short protein forms R2428W.
Identifiers: ClinVar variation 485201 (VCV000485201.7), dbSNP rs1555122281, ClinGen allele CA382559787.

ClinVar aggregate classification (germline): Uncertain significance (1 of 4 stars; one submission).

Conditions:
Hereditary cancer-predisposing syndrome. Also called: Neoplastic Syndromes, Hereditary; Hereditary Cancer Syndrome; Tumor predisposition; Hereditary neoplastic syndrome. Identifiers: Orphanet 140162, MedGen C0027672, MeSH D009386, MONDO:0015356.

Submission:

Ambry Genetics
Classification: Uncertain significance for Hereditary cancer-predisposing syndrome. Last evaluated: 2016-08-24. Review status: criteria provided, single submitter. Criteria: Ambry Variant Classification Scheme 2023. Collection method: clinical testing. Allele origin: germline.
Comment: The p.R2428W variant (also known as c.7282A>T), located in coding exon 48 of the ATM gene, results from an A to T substitution at nucleotide position 7282. The arginine at codon 2428 is replaced by tryptophan, an amino acid with dissimilar properties. This variant was not reported in population based cohorts in the following databases: Database of Single Nucleotide Polymorphisms (dbSNP), NHLBI Exome Sequencing Project (ESP), and 1000 Genomes Project. In the ESP, this variant was not observed in 6499 samples (12998 alleles) with coverage at this position. To date, this alteration has been detected with an allele frequency of approximately 0.001% (greater than 180000 alleles tested) in our clinical cohort. This amino acid position is well conserved in available vertebrate species. In addition, the in silico prediction for this alteration is inconclusive. Since supporting evidence is limited at this time, the clinical significance of this alteration remains unclear.